The following is an entry in ClinVar:

NM_007194.4(CHEK2):c.1267G>A (p.Gly423Arg)

Gene: CHEK2 (checkpoint kinase 2; minus strand). Cytogenetic location: 22q12.1.
Variant type: single nucleotide variant.
Coding change: c.1267G>A on transcript NM_007194.4 (MANE Select); coding-DNA position 1267, G replaced by A.
Protein change: p.Gly423Arg; replaces glycine 423 with arginine.
Molecular consequence: missense variant.
Genome position (GRCh38, 1-based): chr22:28,695,235, C>T on the plus strand (G>A on the coding strand, the complement: CHEK2 is on the minus strand). VCF-style: chr22-28695235-C-T. GRCh37 (hg19) VCF-style: chr22-29091223-C-T.
Other names: c.1396G>A, p.Gly466Arg (NM_001005735.3); c.604G>A, p.Gly202Arg (NM_001257387.3); c.1066G>A, p.Gly356Arg (NM_001349956.3); c.1180G>A, p.Gly394Arg (NM_145862.3); short protein forms G202R, G356R, G394R, G423R, G466R.
Identifiers: ClinVar variation 818755 (VCV000818755.13), dbSNP rs730881691, ClinGen allele CA411096332.

ClinVar aggregate classification (germline): Uncertain significance. Review status: criteria provided, multiple submitters, no conflicts (2 of 4 stars). 2 submissions from 2 submitters: Uncertain significance (2). Last evaluated 2021-07-29.

Conditions:
Familial cancer of breast. Also called: hereditary breast carcinoma; Hereditary breast cancer; BREAST CANCER, FAMILIAL. Identifiers: Orphanet 227535, MedGen C0346153, MONDO:0016419, OMIM 114480. Disease mechanism: loss of function.
Hereditary cancer-predisposing syndrome. Also called: Tumor predisposition; Hereditary neoplastic syndrome; Neoplastic Syndromes, Hereditary; Hereditary Cancer Syndrome. Identifiers: Orphanet 140162, MedGen C0027672, MeSH D009386, MONDO:0015356.

Submissions (2):

Labcorp Genetics (formerly Invitae), Labcorp
Classification: Uncertain significance for Familial cancer of breast. Last evaluated: 2021-07-29. Review status: criteria provided, single submitter. Criteria: Invitae Variant Classification Sherloc (09022015). Collection method: clinical testing. Allele origin: germline.
Comment: This sequence change replaces glycine with arginine at codon 423 of the CHEK2 protein (p.Gly423Arg). The glycine residue is highly conserved and there is a moderate physicochemical difference between glycine and arginine. This variant is not present in population databases (ExAC no frequency). This variant has not been reported in the literature in individuals affected with CHEK2-related conditions. ClinVar contains an entry for this variant (Variation ID: 818755). Algorithms developed to predict the effect of missense changes on protein structure and function are either unavailable or do not agree on the potential impact of this missense change (SIFT: "Deleterious"; PolyPhen-2: "Probably Damaging"; Align-GVGD: "Class C0"). In summary, the available evidence is currently insufficient to determine the role of this variant in disease. Therefore, it has been classified as a Variant of Uncertain Significance.

Ambry Genetics
Classification: Uncertain significance for Hereditary cancer-predisposing syndrome. Last evaluated: 2019-04-18. Review status: criteria provided, single submitter. Criteria: Ambry Variant Classification Scheme 2023. Collection method: clinical testing. Allele origin: germline.
Comment: The p.G423R variant (also known as c.1267G>A), located in coding exon 11 of the CHEK2 gene, results from a G to A substitution at nucleotide position 1267. The glycine at codon 423 is replaced by arginine, an amino acid with dissimilar properties. This amino acid position is highly conserved in available vertebrate species. In addition, this alteration is predicted to be deleterious by in silico analysis. Since supporting evidence is limited at this time, the clinical significance of this alteration remains unclear.